The following is an entry in ClinVar:

ClinVar aggregate classification (germline): Uncertain significance (1 of 4 stars; one submission).

Conditions:
Neuropathy, hereditary sensory and autonomic, type 2A (HSAN2A). Also called: HSAN IIA; WNK1-Related HSAN2 (HSAN2A); ACROOSTEOLYSIS, GIACCAI TYPE; ACROOSTEOLYSIS, NEUROGENIC; MORVAN DISEASE; NEUROPATHY, CONGENITAL SENSORY. Identifiers: Orphanet 970, MedGen C2752089, MONDO:0024309, OMIM 201300.
Pseudohypoaldosteronism type 2C (PHA2C). Also called: Pseudohypoaldosteronism Type IIC. Identifiers: Orphanet 757, Orphanet 88940, MedGen C1840391, MONDO:0013778, OMIM 614492.

Submission:

Labcorp Genetics (formerly Invitae), Labcorp
Classification: Uncertain significance for Neuropathy, hereditary sensory and autonomic, type 2A; Pseudohypoaldosteronism type 2C. Last evaluated: 2023-04-25. Review status: criteria provided, single submitter. Criteria: Invitae Variant Classification Sherloc (09022015). Collection method: clinical testing. Allele origin: germline.
Comment: In summary, the available evidence is currently insufficient to determine the role of this variant in disease. Therefore, it has been classified as a Variant of Uncertain Significance. Advanced modeling of protein sequence and biophysical properties (such as structural, functional, and spatial information, amino acid conservation, physicochemical variation, residue mobility, and thermodynamic stability) performed at Invitae indicates that this missense variant is not expected to disrupt WNK1 protein function. This variant has not been reported in the literature in individuals affected with WNK1-related conditions. This variant is not present in population databases (gnomAD no frequency). This sequence change replaces threonine, which is neutral and polar, with serine, which is neutral and polar, at codon 75 of the WNK1 protein (p.Thr75Ser).

NM_018979.4(WNK1):c.223A>T (p.Thr75Ser)

Gene: WNK1 (WNK lysine deficient protein kinase 1; plus strand). Cytogenetic location: 12p13.33.
Variant type: single nucleotide variant.
Coding change: c.223A>T on transcript NM_018979.4 (MANE Select); coding-DNA position 223, A replaced by T.
Protein change: p.Thr75Ser; replaces threonine 75 with serine.
Molecular consequence: missense variant.
Genome position (GRCh38, 1-based): chr12:753,788, A>T. VCF-style: chr12-753788-A-T. GRCh37 (hg19) VCF-style: chr12-862954-A-T.
Other names: c.223A>T, p.Thr75Ser (NM_001184985.2, NM_014823.3, NM_213655.5); short protein forms T75S.
Identifiers: ClinVar variation 2929771 (VCV002929771.3), dbSNP rs2547359621, ClinGen allele CA383304318.